The following is an entry in ClinVar:

NM_001111.5(ADAR):c.1024G>A (p.Asp342Asn)

Gene: ADAR (adenosine deaminase RNA specific; minus strand). Cytogenetic location: 1q21.3.
Variant type: single nucleotide variant.
Coding change: c.1024G>A on transcript NM_001111.5 (MANE Select); coding-DNA position 1024, G replaced by A.
Protein change: p.Asp342Asn; replaces aspartic acid 342 with asparagine.
Molecular consequence: missense variant.
Genome position (GRCh38, 1-based): chr1:154,601,618, C>T on the plus strand (G>A on the coding strand, the complement: ADAR is on the minus strand). VCF-style: chr1-154601618-C-T. GRCh37 (hg19) VCF-style: chr1-154574094-C-T.
Other names: c.139G>A, p.Asp47Asn (NM_001025107.3, NM_001193495.2, NM_001365046.1 and 3 more transcripts); c.1051G>A, p.Asp351Asn (NM_001365045.1); c.1024G>A, p.Asp342Asn (NM_015840.4, NM_015841.4); short protein forms D342N, D351N, D47N.
Identifiers: ClinVar variation 2526137 (VCV002526137.3), dbSNP rs750785381, ClinGen allele CA342598850.

ClinVar aggregate classification (germline): Uncertain significance. Review status: criteria provided, multiple submitters, no conflicts (2 of 4 stars). 2 submissions from 2 submitters: Uncertain significance (2). Last evaluated 2025-04-08.

Conditions:
Symmetrical dyschromatosis of extremities (DSH). Also called: DYSCHROMATOSIS SYMMETRICA HEREDITARIA 1; RETICULATE ACROPIGMENTATION OF DOHI; SYMMETRIC DYSCHROMATOSIS OF THE EXTREMITIES; Dyschromatosis symmetrica hereditaria. Identifiers: Orphanet 41, MedGen C0406775, MONDO:0007483, OMIM 127400.
Aicardi-Goutieres syndrome 6 (AGS6). Identifiers: Orphanet 51, MedGen C3539013, MONDO:0014007, OMIM 615010.
Inborn genetic diseases. Identifiers: MedGen C0950123, MeSH D030342.

Submissions (2):

Labcorp Genetics (formerly Invitae), Labcorp
Classification: Uncertain significance for Aicardi-Goutieres syndrome 6; Symmetrical dyschromatosis of extremities. Last evaluated: 2025-04-08. Review status: criteria provided, single submitter. Criteria: Invitae Variant Classification Sherloc (09022015). Collection method: clinical testing. Allele origin: germline.
Comment: This sequence change replaces aspartic acid, which is acidic and polar, with asparagine, which is neutral and polar, at codon 342 of the ADAR protein (p.Asp342Asn). This variant is not present in population databases (gnomAD no frequency). This variant has not been reported in the literature in individuals affected with ADAR-related conditions. ClinVar contains an entry for this variant (Variation ID: 2526137). Invitae Evidence Modeling of protein sequence and biophysical properties (such as structural, functional, and spatial information, amino acid conservation, physicochemical variation, residue mobility, and thermodynamic stability) indicates that this missense variant is not expected to disrupt ADAR protein function with a negative predictive value of 80%. In summary, the available evidence is currently insufficient to determine the role of this variant in disease. Therefore, it has been classified as a Variant of Uncertain Significance.

Ambry Genetics
Classification: Uncertain significance for Inborn genetic diseases. Last evaluated: 2023-03-17. Review status: criteria provided, single submitter. Criteria: Ambry Variant Classification Scheme 2023. Collection method: clinical testing. Allele origin: germline.